The following is an entry in ClinVar:

NM_025144.4(ALPK1):c.113G>A (p.Arg38His)

Gene: ALPK1 (alpha kinase 1; plus strand). Cytogenetic location: 4q25.
Variant type: single nucleotide variant.
Coding change: c.113G>A on transcript NM_025144.4 (MANE Select); coding-DNA position 113, G replaced by A.
Protein change: p.Arg38His; replaces arginine 38 with histidine.
Molecular consequence: missense variant.
Genome position (GRCh38, 1-based): chr4:112,377,890, G>A. VCF-style: chr4-112377890-G-A. GRCh37 (hg19) VCF-style: chr4-113299046-G-A.
Other names: c.113G>A, p.Arg38His (NM_001102406.2); c.34G>A, p.Ala12Thr (NM_001253884.2); c.113G>A (NM_025144.3, NM_001102406.1); short protein forms R38H, A12T.
Identifiers: ClinVar variation 2186133 (VCV002186133.6), dbSNP rs373809231, ClinGen allele CA3046251.

ClinVar aggregate classification (germline): Uncertain significance. Review status: criteria provided, multiple submitters, no conflicts (2 of 4 stars). 3 submissions from 3 submitters: Uncertain significance (3). Last evaluated 2025-11-19.

Conditions:
ALPK1-related disorder. Also called: ALPK1-related condition.
Inborn genetic diseases. Identifiers: MedGen C0950123, MeSH D030342.

Allele frequency attached by ClinVar (database versions not stated): gnomAD exomes 0.00002; ExAC 0.00005; ESP Exome Variant Server 0.00008.
gnomAD v4.1: 27 of 1,609,144 alleles (0.0017%); highest among the groups gnomAD compares: Admixed American, 0.03%; no homozygotes.

Submissions (3):

Labcorp Genetics (formerly Invitae), Labcorp
Classification: Uncertain significance. Last evaluated: 2025-11-19. Review status: criteria provided, single submitter. Criteria: Invitae Variant Classification Sherloc (09022015). Collection method: clinical testing. Allele origin: germline.
Comment: This sequence change replaces arginine, which is basic and polar, with histidine, which is basic and polar, at codon 38 of the ALPK1 protein (p.Arg38His). This variant is present in population databases (rs373809231, gnomAD 0.04%), and has an allele count higher than expected for a pathogenic variant. This variant has not been reported in the literature in individuals affected with ALPK1-related conditions. ClinVar contains an entry for this variant (Variation ID: 2186133). Invitae Evidence Modeling of protein sequence and biophysical properties (such as structural, functional, and spatial information, amino acid conservation, physicochemical variation, residue mobility, and thermodynamic stability) indicates that this missense variant is not expected to disrupt ALPK1 protein function with a negative predictive value of 80%. In summary, the available evidence is currently insufficient to determine the role of this variant in disease. Therefore, it has been classified as a Variant of Uncertain Significance.

PreventionGenetics, part of Exact Sciences
Classification: Uncertain significance for ALPK1-related condition. Last evaluated: 2025-03-28. Review status: criteria provided, single submitter. Criteria: ACMG Guidelines, 2015. Collection method: clinical testing. Allele origin: germline.
Comment: The ALPK1 c.113G>A variant is predicted to result in the amino acid substitution p.Arg38His. To our knowledge, this variant has not been reported in the literature. This variant is reported in 0.043% of alleles in individuals of Latino descent in gnomAD. At this time, the clinical significance of this variant is uncertain due to the absence of conclusive functional and genetic evidence.

Ambry Genetics
Classification: Uncertain significance for Inborn genetic diseases. Last evaluated: 2025-01-24. Review status: criteria provided, single submitter. Criteria: Ambry Variant Classification Scheme 2023. Collection method: clinical testing. Allele origin: germline.